The following is an entry in ClinVar:

ClinVar aggregate classification (germline): Uncertain significance (1 of 4 stars; one submission).

gnomAD v4.1: 2 of 1,614,158 alleles (0.00012%); highest among the groups gnomAD compares: Non-Finnish European, 0.00017%; no homozygotes.

Submission:

Labcorp Genetics (formerly Invitae), Labcorp
Classification: Uncertain significance. Last evaluated: 2025-07-08. Review status: criteria provided, single submitter. Criteria: Invitae Variant Classification Sherloc (09022015). Collection method: clinical testing. Allele origin: germline.
Comment: This sequence change replaces aspartic acid, which is acidic and polar, with asparagine, which is neutral and polar, at codon 779 of the FAT2 protein (p.Asp779Asn). This variant is not present in population databases (gnomAD no frequency). This variant has not been reported in the literature in individuals affected with FAT2-related conditions. Invitae Evidence Modeling of protein sequence and biophysical properties (such as structural, functional, and spatial information, amino acid conservation, physicochemical variation, residue mobility, and thermodynamic stability) indicates that this missense variant is not expected to disrupt FAT2 protein function with a negative predictive value of 80%. In summary, the available evidence is currently insufficient to determine the role of this variant in disease. Therefore, it has been classified as a Variant of Uncertain Significance.

NM_001447.3(FAT2):c.2335G>A (p.Asp779Asn)

Gene: FAT2 (FAT atypical cadherin 2; minus strand). Cytogenetic location: 5q33.1.
Variant type: single nucleotide variant.
Coding change: c.2335G>A on transcript NM_001447.3 (MANE Select); coding-DNA position 2335, G replaced by A.
Protein change: p.Asp779Asn; replaces aspartic acid 779 with asparagine.
Molecular consequence: missense variant.
Genome position (GRCh38, 1-based): chr5:151,566,597, C>T on the plus strand (G>A on the coding strand, the complement: FAT2 is on the minus strand). VCF-style: chr5-151566597-C-T. GRCh37 (hg19) VCF-style: chr5-150946158-C-T.
Other names: short protein forms D779N.
Identifiers: ClinVar variation 4764714 (VCV004764714.1).